The following is an entry in ClinVar:

ClinVar aggregate classification (germline): Uncertain significance (1 of 4 stars; one submission).

Conditions:
Leukocyte adhesion deficiency 3. Also called: Leukocyte adhesion deficiency, type III; INTEGRIN ACTIVATION DEFICIENCY DISEASE; LEUKOCYTE ADHESION DEFICIENCY 1 VARIANT. Identifiers: Orphanet 2968, Orphanet 99844, MedGen C2748536, MONDO:0013016, OMIM 612840.

gnomAD v4.1: 4 of 1,614,214 alleles (0.00025%); highest among the groups gnomAD compares: Non-Finnish European, 0.00025%; no homozygotes.

Submission:

Labcorp Genetics (formerly Invitae), Labcorp
Classification: Uncertain significance for Leukocyte adhesion deficiency 3. Last evaluated: 2024-07-31. Review status: criteria provided, single submitter. Criteria: Invitae Variant Classification Sherloc (09022015). Collection method: clinical testing. Allele origin: germline.
Comment: This sequence change replaces aspartic acid, which is acidic and polar, with histidine, which is basic and polar, at codon 245 of the FERMT3 protein (p.Asp245His). This variant is not present in population databases (gnomAD no frequency). This variant has not been reported in the literature in individuals affected with FERMT3-related conditions. Advanced modeling of protein sequence and biophysical properties (such as structural, functional, and spatial information, amino acid conservation, physicochemical variation, residue mobility, and thermodynamic stability) performed at Invitae indicates that this missense variant is not expected to disrupt FERMT3 protein function with a negative predictive value of 80%. In summary, the available evidence is currently insufficient to determine the role of this variant in disease. Therefore, it has been classified as a Variant of Uncertain Significance.

NM_031471.6(FERMT3):c.733G>C (p.Asp245His)

Gene: FERMT3 (FERM domain containing kindlin 3; plus strand). Cytogenetic location: 11q13.1.
Variant type: single nucleotide variant.
Coding change: c.733G>C on transcript NM_031471.6 (MANE Select); coding-DNA position 733, G replaced by C.
Protein change: p.Asp245His; replaces aspartic acid 245 with histidine.
Molecular consequence: missense variant.
Genome position (GRCh38, 1-based): chr11:64,211,694, G>C. VCF-style: chr11-64211694-G-C. GRCh37 (hg19) VCF-style: chr11-63979166-G-C.
Other names: c.733G>C, p.Asp245His (NM_001382361.1, NM_001382362.1, NM_001382448.1 and 1 more transcripts); c.193G>C, p.Asp65His (NM_001382363.1, NM_001382364.1); short protein forms D65H, D245H.
Identifiers: ClinVar variation 3660623 (VCV003660623.2).
Genomic context (GRCh38, chr11:64,211,694, plus strand): 5'-CCGCGGCCCAGGTGGCTGGACTCGTCGCGGTGTCTCATGCAGCAGGGCATCAAGGCCGGG[G>C]ACGCACTCTGGCTGCGCTTCAAGTACTACAGCTTCTTCGATTTGGATCCCAAGGTGGGTC-3'
Protein context (NP_113659.3, residues 235-255): CLMQQGIKAG[Asp245His]ALWLRFKYYS